The following is an entry in ClinVar:

ClinVar aggregate classification (germline): Likely benign. Review status: criteria provided, multiple submitters, no conflicts (2 of 4 stars). 2 submissions from 2 submitters: Likely benign (2). Last evaluated 2026-07-07.

Conditions:
Rhabdoid tumor predisposition syndrome 2 (RTPS2). Identifiers: Orphanet 231108, Orphanet 69077, MedGen C2750074, MONDO:0013224, OMIM 613325.

Allele frequency attached by ClinVar (database versions not stated): gnomAD exomes 0.00001 and below 0.00001; 1000 Genomes Project 0.00020; gnomAD 0.00001; 1000 Genomes Project 30x 0.00016; ExAC 0.00001.
gnomAD v4.1: 3 of 1,613,984 alleles (0.00019%); highest among the groups gnomAD compares: South Asian, 0.0022%; no homozygotes.

Submissions (2):

Myriad Genetics, Inc.
Classification: Likely benign for Rhabdoid tumor predisposition syndrome 2. Last evaluated: 2026-07-07. Review status: criteria provided, single submitter. Criteria: Myriad Autosomal Dominant, Autosomal Recessive and X-Linked Classification Criteria (2023). Collection method: clinical testing. Allele origin: unknown.
Comment: This variant is considered likely benign. This variant is intronic and is not expected to impact mRNA splicing.

Labcorp Genetics (formerly Invitae), Labcorp
Classification: Likely benign for Rhabdoid tumor predisposition syndrome 2. Last evaluated: 2025-09-24. Review status: criteria provided, single submitter. Criteria: Invitae Variant Classification Sherloc (09022015). Collection method: clinical testing. Allele origin: germline.

NM_003072.5(SMARCA4):c.3216-11C>T

Gene: SMARCA4 (SWI/SNF related BAF chromatin remodeling complex subunit ATPase 4; plus strand). Cytogenetic location: 19p13.2.
Variant type: single nucleotide variant.
Coding change: c.3216-11C>T on transcript NM_003072.5 (MANE Select); 11 bases into the intron before coding-DNA position 3216, C replaced by T.
Molecular consequence: intron variant.
Genome position (GRCh38, 1-based): chr19:11,027,773, C>T. VCF-style: chr19-11027773-C-T. GRCh37 (hg19) VCF-style: chr19-11138449-C-T.
Other names: c.3216-11C>T (NM_001128844.3, NM_001128849.3, NM_001128847.4 and 5 more transcripts).
Identifiers: ClinVar variation 1585338 (VCV001585338.9), dbSNP rs566308079, ClinGen allele CA9204378.